The following is an entry in ClinVar:

ClinVar aggregate classification (germline): Likely benign (1 of 4 stars; one submission).

Allele frequency attached by ClinVar (database versions not stated): gnomAD 0.00002; gnomAD exomes 0.00003; TOPMed 0.00003; ExAC 0.00004.
gnomAD v4.1: 54 of 1,613,742 alleles (0.0033%); highest among the groups gnomAD compares: Non-Finnish European, 0.0026%; no homozygotes.

Submission:

CeGaT Center for Human Genetics Tuebingen
Classification: Likely benign. Last evaluated: 2024-02-01. Review status: criteria provided, single submitter. Criteria: CeGaT Center For Human Genetics Tuebingen Variant Classification Criteria Version 2. Collection method: clinical testing. Allele origin: germline. Affected: yes. Observed: 1 variant allele.
Comment: BIRC6: BP4, BP7

NM_016252.4(BIRC6):c.9531A>G (p.Gln3177=)

Gene: BIRC6 (baculoviral IAP repeat containing 6; plus strand). Cytogenetic location: 2p22.3.
Variant type: single nucleotide variant.
Coding change: c.9531A>G on transcript NM_016252.4 (MANE Select); coding-DNA position 9531, A replaced by G.
Protein change: p.Gln3177=; no amino-acid change (glutamine 3177 retained).
Molecular consequence: synonymous variant.
Genome position (GRCh38, 1-based): chr2:32,505,036, A>G. VCF-style: chr2-32505036-A-G. GRCh37 (hg19) VCF-style: chr2-32730103-A-G.
Other names: c.9528A>G, p.Gln3176= (NM_001378125.1).
Identifiers: ClinVar variation 2650815 (VCV002650815.24), dbSNP rs751518973, ClinGen allele CA1604586.